The following is an entry in ClinVar:

ClinVar aggregate classification (germline): Pathogenic (1 of 4 stars; one submission).

Conditions:
Bloom syndrome (BLM). Also called: Bloom-Torre-Machacek syndrome. Identifiers: Orphanet 125, MedGen C0005859, MONDO:0008876, OMIM 210900.

Submission:

Labcorp Genetics (formerly Invitae), Labcorp
Classification: Pathogenic for Bloom syndrome. Last evaluated: 2022-07-19. Review status: criteria provided, single submitter. Criteria: Invitae Variant Classification Sherloc (09022015). Collection method: clinical testing. Allele origin: germline.
Comment: For these reasons, this variant has been classified as Pathogenic. ClinVar contains an entry for this variant (Variation ID: 1075178). This variant has not been reported in the literature in individuals affected with BLM-related conditions. This variant is not present in population databases (gnomAD no frequency). This sequence change creates a premature translational stop signal (p.Pro76Leufs*53) in the BLM gene. It is expected to result in an absent or disrupted protein product. Loss-of-function variants in BLM are known to be pathogenic (PMID: 17407155).

Literature cited by the submitters: PubMed 17407155.

NM_000057.4(BLM):c.227del (p.Pro76fs)

Gene: BLM (BLM RecQ like helicase; plus strand). Cytogenetic location: 15q26.1.
Variant type: Deletion.
Coding change: c.227del on transcript NM_000057.4 (MANE Select); coding-DNA position 227, one base deleted (C; older notation c.227delC).
Protein change: p.Pro76fs; shifts the reading frame from proline 76.
Molecular consequence: frameshift variant. On other transcripts: 5 prime UTR variant (1).
Genome position (GRCh38, 1-based): chr15:90,749,495, C deleted; the last of 2 consecutive C bases (chr15:90,749,494-90,749,495); deleting either gives the same sequence. VCF-style (leftmost placement, unchanged base first): chr15-90749493-AC-A. GRCh37 (hg19) VCF-style: chr15-91292723-AC-A.
Other names: c.227del, p.Pro76fs (NM_001287246.2, NM_001287247.2); c.-1065del (NM_001287248.2); short protein forms P76fs.
Identifiers: ClinVar variation 1075178 (VCV001075178.7), dbSNP rs1299272913, ClinGen allele CA717054701.
Genomic context (GRCh38, chr15:90,749,493, plus strand): 5'-AAAAACACCTGTATTAAGAAATAAAGATGTTAATGTTACCGAAGACTTTTCCTTCAGTGA[AC>A]CTCTACCCAACACCACAAATCAGCAAAGGGTCAAGGACTTCTTTAAAAATGCTCCAGCAG-3'